The following is an entry in ClinVar:

NM_000088.4(COL1A1):c.4066C>A (p.Arg1356Ser)

Gene: COL1A1 (collagen type I alpha 1 chain; minus strand). Cytogenetic location: 17q21.33.
Variant type: single nucleotide variant.
Coding change: c.4066C>A on transcript NM_000088.4 (MANE Select); coding-DNA position 4066, C replaced by A.
Protein change: p.Arg1356Ser; replaces arginine 1356 with serine.
Molecular consequence: missense variant.
Genome position (GRCh38, 1-based): chr17:50,185,960, G>T on the plus strand (C>A on the coding strand, the complement: COL1A1 is on the minus strand). VCF-style: chr17-50185960-G-T. GRCh37 (hg19) VCF-style: chr17-48263321-G-T.
Other names: short protein forms R1356S.
Identifiers: ClinVar variation 660126 (VCV000660126.9), dbSNP rs1341595487, ClinGen allele CA400192516.

ClinVar aggregate classification (germline): Uncertain significance (1 of 4 stars; one submission).

Conditions:
Osteogenesis imperfecta type I (OI1). Also called: OI, TYPE I; OSTEOGENESIS IMPERFECTA TARDA; OSTEOGENESIS IMPERFECTA WITH BLUE SCLERAE; Osteogenesis imperfecta type 1; Lobstein disease; Classic Non-deforming Osteogenesis Imperfecta with Blue Sclerae. Identifiers: Orphanet 216796, Orphanet 666, MedGen C0023931, MONDO:0008146, OMIM 166200. Disease mechanism: loss of function.

Submission:

Labcorp Genetics (formerly Invitae), Labcorp
Classification: Uncertain significance for Osteogenesis imperfecta type I. Last evaluated: 2022-03-19. Review status: criteria provided, single submitter. Criteria: Invitae Variant Classification Sherloc (09022015). Collection method: clinical testing. Allele origin: germline.
Comment: In summary, the available evidence is currently insufficient to determine the role of this variant in disease. Therefore, it has been classified as a Variant of Uncertain Significance. Advanced modeling of protein sequence and biophysical properties (such as structural, functional, and spatial information, amino acid conservation, physicochemical variation, residue mobility, and thermodynamic stability) performed at Invitae indicates that this missense variant is expected to disrupt COL1A1 protein function. ClinVar contains an entry for this variant (Variation ID: 660126). This variant has not been reported in the literature in individuals affected with COL1A1-related conditions. This variant is not present in population databases (gnomAD no frequency). This sequence change replaces arginine, which is basic and polar, with serine, which is neutral and polar, at codon 1356 of the COL1A1 protein (p.Arg1356Ser).